The following is an entry in ClinVar:

ClinVar aggregate classification (germline): Pathogenic (1 of 4 stars; one submission).

Conditions:
Primary ciliary dyskinesia 3. Identifiers: Orphanet 244, MedGen C1837618, MONDO:0012085, OMIM 608644.

Submission:

Myriad Genetics, Inc.
Classification: Pathogenic for Primary ciliary dyskinesia 3. Last evaluated: 2024-05-14. Review status: criteria provided, single submitter. Criteria: Myriad Autosomal Dominant, Autosomal Recessive and X-Linked Classification Criteria (2023). Collection method: clinical testing. Allele origin: unknown.
Comment: NM_001369.2(DNAH5):c.11215_11216del2ins13(E3740Sfs*11) is expected to be pathogenic in the context of primary ciliary dyskinesia, DNAH5-related. This variant is predicted to lead to an abnormal or absent protein product due to the creation of a premature termination codon in DNAH5, a gene where loss-of-function variants are known to be pathogenic. Please note: this variant was assessed in the context of healthy population screening.

NM_001369.3(DNAH5):c.11215_11216delinsCTGTCTCTTATAC (p.Glu3740fs)

Genes: DNAH5 (dynein axonemal heavy chain 5; minus strand), LOC107457585 (meiotic recombination hotspot J; plus strand). Cytogenetic location: 5p15.2.
Variant type: Indel.
Coding change: c.11215_11216delinsCTGTCTCTTATAC on transcript NM_001369.3 (MANE Select); coding-DNA positions 11215 to 11216, TT replaced by CTGTCTCTTATAC.
Protein change: p.Glu3740fs; shifts the reading frame from glutamic acid 3740.
Molecular consequence: frameshift variant.
Genome position (GRCh38, 1-based): chr5:13,737,491-13,737,492, AA replaced by GTATAAGAGACAG on the plus strand (TT replaced by CTGTCTCTTATAC on the coding strand, the reverse complement: DNAH5 is on the minus strand). VCF-style: chr5-13737491-AA-GTATAAGAGACAG. GRCh37 (hg19) VCF-style: chr5-13737600-AA-GTATAAGAGACAG.
Other names: short protein forms E3740fs.
Identifiers: ClinVar variation 5011019 (VCV005011019.1).